The following is an entry in ClinVar:

NM_000138.5(FBN1):c.7448G>A (p.Cys2483Tyr)

Gene: FBN1 (fibrillin 1; minus strand). Cytogenetic location: 15q21.1.
Variant type: single nucleotide variant.
Coding change: c.7448G>A on transcript NM_000138.5 (MANE Select); coding-DNA position 7448, G replaced by A.
Protein change: p.Cys2483Tyr; replaces cysteine 2483 with tyrosine.
Molecular consequence: missense variant.
Genome position (GRCh38, 1-based): chr15:48,425,374, C>T on the plus strand (G>A on the coding strand, the complement: FBN1 is on the minus strand). VCF-style: chr15-48425374-C-T. GRCh37 (hg19) VCF-style: chr15-48717571-C-T.
Other names: short protein forms C2483Y.
Identifiers: ClinVar variation 982347 (VCV000982347.10), dbSNP rs1555394390, ClinGen allele CA392327509.

ClinVar aggregate classification (germline): Pathogenic/Likely pathogenic. Review status: criteria provided, multiple submitters, no conflicts (2 of 4 stars). 3 submissions from 3 submitters: Pathogenic (1); Likely pathogenic (2). Last evaluated 2021-10-04.

Conditions:
Marfan syndrome (MFS). Also called: FBN1-Related Marfan Syndrome; MARFAN SYNDROME, TYPE I; Marfan syndrome type 1; Marfan's syndrome; Marfan syndrome, classic. Identifiers: Orphanet 284963, Orphanet 558, MedGen C0024796, MONDO:0007947, OMIM 154700.
Familial thoracic aortic aneurysm and aortic dissection (TAAD). Also called: Thoracic aortic aneurysms and dissections. Identifiers: Orphanet 91387, MedGen C4707243, MONDO:0019625.
Isolated thoracic aortic aneurysm.

Submissions (3):

Labcorp Genetics (formerly Invitae), Labcorp
Classification: Pathogenic for Marfan syndrome; Familial thoracic aortic aneurysm and aortic dissection. Last evaluated: 2021-10-04. Review status: criteria provided, single submitter. Criteria: Invitae Variant Classification Sherloc (09022015). Collection method: clinical testing. Allele origin: germline.
Comment: For these reasons, this variant has been classified as Pathogenic. This variant affects a cysteine residue in the EGF-like, TGFBP or hybrid motif domains of FBN1. Cysteine residues are believed to be involved in intramolecular disulfide bridges and have been shown to be important for FBN1 protein structure (PMID: 16905551, 19349279). In addition, missense substitutions affecting cysteine residues within these domains are significantly overrepresented among patients with Marfan syndrome (PMID: 16571647, 17701892). Advanced modeling of protein sequence and biophysical properties (such as structural, functional, and spatial information, amino acid conservation, physicochemical variation, residue mobility, and thermodynamic stability) performed at Invitae indicates that this missense variant is expected to disrupt FBN1 protein function. ClinVar contains an entry for this variant (Variation ID: 982347). This variant is also known as C2452Y. This missense change has been observed in individual(s) with Marfan syndrome (PMID: 11170092). It has also been observed to segregate with disease in related individuals. This variant is not present in population databases (ExAC no frequency). This sequence change replaces cysteine with tyrosine at codon 2483 of the FBN1 protein (p.Cys2483Tyr). The cysteine residue is highly conserved and there is a large physicochemical difference between cysteine and tyrosine.

Ambry Genetics
Classification: Likely pathogenic for Familial thoracic aortic aneurysm and aortic dissection. Last evaluated: 2021-03-22. Review status: criteria provided, single submitter. Criteria: Ambry Variant Classification Scheme 2023. Collection method: clinical testing. Allele origin: germline.
Comment: The p.C2483Y variant (also known as c.7448G>A), located in coding exon 59 of the FBN1 gene, results from a G to A substitution at nucleotide position 7448. The cysteine at codon 2483 is replaced by tyrosine, an amino acid with highly dissimilar properties, and is located in the cbEGF-like #38 domain. The majority of FBN1 mutations identified to date have involved the substitution or generation of cysteine residues within cbEGF domains (Vollbrandt T et al. J Biol Chem. 2004;279(31):32924-32931). This variant (referred to as p.C2452Y, c.7355G>A), segregated with disease in several members of a family reported to have Marfan syndrome (Judge DP et al. Am J Med Genet, 2001 Feb;99:39-47). Based on internal structural assessment, this alteration eliminates a structurally critical disulfide bond in the structurally sensitive cbEGF domain #38. This variant was not reported in population-based cohorts in the Genome Aggregation Database (gnomAD). This amino acid position is highly conserved in available vertebrate species. In addition, this alteration is predicted to be deleterious by in silico analysis. Based on the majority of available evidence to date, this variant is likely to be pathogenic.

Department of Vascular Biology, Beijing Anzhen Hospital
Classification: Likely pathogenic for Isolated thoracic aortic aneurysm. Last evaluated: 2018-09-01. Review status: criteria provided, single submitter. Criteria: ACMG Guidelines, 2015. Collection method: research. Allele origin: germline. Affected: yes.

Literature cited by the submitters: PubMed 16905551 (cited by Labcorp Genetics (formerly Invitae), Labcorp); PubMed 19349279 (cited by Labcorp Genetics (formerly Invitae), Labcorp); PubMed 16571647 (cited by Labcorp Genetics (formerly Invitae), Labcorp); PubMed 17701892 (cited by Labcorp Genetics (formerly Invitae), Labcorp); PubMed 11170092 (cited by Labcorp Genetics (formerly Invitae), Labcorp and Ambry Genetics).